The following is an entry in ClinVar:

NM_016222.4(DDX41):c.27G>A (p.Lys9=)

Gene: DDX41 (DEAD-box helicase 41; minus strand). Cytogenetic location: 5q35.3.
Variant type: single nucleotide variant.
Coding change: c.27G>A on transcript NM_016222.4 (MANE Select); coding-DNA position 27, G replaced by A.
Protein change: p.Lys9=; no amino-acid change (lysine 9 retained).
Molecular consequence: synonymous variant. On other transcripts: 5 prime UTR variant (2).
Genome position (GRCh38, 1-based): chr5:177,516,919, C>T on the plus strand (G>A on the coding strand, the complement: DDX41 is on the minus strand). VCF-style: chr5-177516919-C-T. GRCh37 (hg19) VCF-style: chr5-176943920-C-T.
Other names: c.-629G>A (NM_001321732.2); c.-421G>A (NM_001321830.2); c.27G>A (NM_016222.2).
Identifiers: ClinVar variation 2674781 (VCV002674781.2), dbSNP rs753156035, ClinGen allele CA3585433.

ClinVar aggregate classification (germline): Uncertain significance. Review status: criteria provided, multiple submitters, no conflicts (2 of 4 stars). 2 submissions from 2 submitters: Uncertain significance (2). Last evaluated 2025-02-13.

Conditions:
Inborn genetic diseases. Identifiers: MedGen C0950123, MeSH D030342.
DDX41-related hematologic malignancy predisposition syndrome. Also called: Myeloproliferative/lymphoproliferative neoplasms, familial (multiple types), susceptibility to; DDX41-Associated Familial Myelodysplastic Syndrome and Acute Myeloid Leukemia. Identifiers: Orphanet 488647, MedGen C4225174, MONDO:0014809, OMIM 616871.

Allele frequency attached by ClinVar (database versions not stated): ExAC 0.00001; TOPMed 0.00002; gnomAD 0.00003.

Submissions (2):

Ambry Genetics
Classification: Uncertain significance for Inborn genetic diseases. Last evaluated: 2025-02-13. Review status: criteria provided, single submitter. Criteria: Ambry Variant Classification Scheme 2023. Collection method: clinical testing. Allele origin: germline.
Comment: The c.27G>A variant (also known as p.K9K), located in coding exon 1 of the DDX41 gene, results from a G to A substitution at nucleotide position 27. This nucleotide substitution does not change the lysine at codon 9. However, this change occurs in the last base pair of coding exon 1, which makes it likely to have some effect on normal mRNA splicing. This nucleotide position is highly conserved in available vertebrate species. In silico splice site analysis predicts that this alteration will weaken the native splice donor site; however, direct evidence is insufficient at this time (Ambry internal data). Based on the available evidence, the clinical significance of this variant remains unclear.

Baylor Genetics
Classification: Uncertain significance for DDX41-related hematologic malignancy predisposition syndrome. Last evaluated: 2023-07-25. Review status: criteria provided, single submitter. Criteria: ACMG Guidelines, 2015. Collection method: clinical testing. Allele origin: unknown.